The following is an entry in ClinVar:

ClinVar aggregate classification (germline): Uncertain significance. Review status: criteria provided, multiple submitters, no conflicts (2 of 4 stars). 2 submissions from 2 submitters: Uncertain significance (2). Last evaluated 2025-11-13.

gnomAD v4.1: 13 of 1,614,052 alleles (0.00081%); highest among the groups gnomAD compares: Middle Eastern, 0.082%; no homozygotes.

Submissions (2):

Labcorp Genetics (formerly Invitae), Labcorp
Classification: Uncertain significance. Last evaluated: 2025-11-13. Review status: criteria provided, single submitter. Criteria: Invitae Variant Classification Sherloc (09022015). Collection method: clinical testing. Allele origin: germline.
Comment: This sequence change replaces proline, which is neutral and non-polar, with leucine, which is neutral and non-polar, at codon 55 of the SYNPO protein (p.Pro55Leu). This variant is not present in population databases (gnomAD no frequency). This variant has not been reported in the literature in individuals affected with SYNPO-related conditions. ClinVar contains an entry for this variant (Variation ID: 3964609). An algorithm developed to predict the effect of missense changes on protein structure and function (PolyPhen-2) suggests that this variant is likely to be tolerated. In summary, the available evidence is currently insufficient to determine the role of this variant in disease. Therefore, it has been classified as a Variant of Uncertain Significance.

Ambry Genetics
Classification: Uncertain significance. Last evaluated: 2025-05-28. Review status: criteria provided, single submitter. Criteria: Ambry Variant Classification Scheme 2023. Collection method: clinical testing. Allele origin: germline.

NM_007286.6(SYNPO):c.164C>T (p.Pro55Leu)

Gene: SYNPO (synaptopodin; plus strand). Cytogenetic location: 5q33.1.
Variant type: single nucleotide variant.
Coding change: c.164C>T on transcript NM_007286.6 (MANE Select); coding-DNA position 164, C replaced by T.
Protein change: p.Pro55Leu; replaces proline 55 with leucine.
Molecular consequence: missense variant.
Genome position (GRCh38, 1-based): chr5:150,648,439, C>T. VCF-style: chr5-150648439-C-T. GRCh37 (hg19) VCF-style: chr5-150028001-C-T.
Other names: c.164C>T, p.Pro55Leu (NM_001109974.3); c.896C>T, p.Pro299Leu (NM_001166208.2, NM_001166209.2); short protein forms P55L, P299L.
Identifiers: ClinVar variation 3964609 (VCV003964609.2).